The following is an entry in ClinVar:

ClinVar aggregate classification (germline): Uncertain significance. Review status: criteria provided, multiple submitters, no conflicts (2 of 4 stars). 3 submissions from 3 submitters: Uncertain significance (3). Last evaluated 2024-11-05.

Conditions:
Hereditary sensory and autonomic neuropathy type 6. Also called: HSAN VI; Neuropathy, hereditary sensory and autonomic, type VI. Identifiers: Orphanet 314381, MedGen C3539003, MONDO:0013839, OMIM 614653.
Epidermolysis bullosa simplex 3, localized or generalized intermediate, with BP230 deficiency (EBS3). Also called: Epidermolysis bullosa simplex, autosomal recessive 2; Epidermolysis bullosa simplex due to BP230 deficiency. Identifiers: Orphanet 412181, MedGen C3809470, MONDO:0014180, OMIM 615425.
Inborn genetic diseases. Identifiers: MedGen C0950123, MeSH D030342.

Allele frequency attached by ClinVar (database versions not stated): TOPMed 0.00002; gnomAD 0.00003 and 0.00004; gnomAD exomes 0.00006 and 0.00010; ESP Exome Variant Server 0.00009; ExAC 0.00015.
gnomAD v4.1: 94 of 1,610,334 alleles (0.0058%); highest among the groups gnomAD compares: East Asian, 0.085%; no homozygotes.

Submissions (3):

Labcorp Genetics (formerly Invitae), Labcorp
Classification: Uncertain significance for Epidermolysis bullosa simplex 3, localized or generalized intermediate, with BP230 deficiency; Hereditary sensory and autonomic neuropathy type 6. Last evaluated: 2024-11-05. Review status: criteria provided, single submitter. Criteria: Invitae Variant Classification Sherloc (09022015). Collection method: clinical testing. Allele origin: germline.
Comment: The DST gene has multiple clinically relevant transcripts. The variant occurs in alternate transcript NM_015548.4, and corresponds to NM_001723.5: c.*123094A>G in the primary transcript. This sequence change replaces asparagine, which is neutral and polar, with serine, which is neutral and polar, at codon 4231 of the DST protein (p.Asn4231Ser). This variant is present in population databases (rs372049401, gnomAD 0.04%). This variant has not been reported in the literature in individuals affected with DST-related conditions. Experimental studies and prediction algorithms are not available or were not evaluated, and the functional significance of this variant is currently unknown. In summary, the available evidence is currently insufficient to determine the role of this variant in disease. Therefore, it has been classified as a Variant of Uncertain Significance.

Mayo Clinic Laboratories, Mayo Clinic
Classification: Uncertain significance. Last evaluated: 2022-03-16. Review status: criteria provided, single submitter. Criteria: ACMG Guidelines, 2015. Collection method: clinical testing. Allele origin: germline. Observed: 1 variant allele.
Comment: BP4

Ambry Genetics
Classification: Uncertain significance for Inborn genetic diseases. Last evaluated: 2021-05-19. Review status: criteria provided, single submitter. Criteria: Ambry Variant Classification Scheme 2023. Collection method: clinical testing. Allele origin: germline.
Comment: The p.N4735S variant (also known as c.14204A>G), located in coding exon 79 of the DST gene, results from an A to G substitution at nucleotide position 14204. The asparagine at codon 4735 is replaced by serine, an amino acid with highly similar properties. This amino acid position is not well conserved in available vertebrate species. In addition, this alteration is predicted to be tolerated by in silico analysis. Since supporting evidence is limited at this time, the clinical significance of this alteration remains unclear.

NM_001374736.1(DST):c.20561A>G (p.Asn6854Ser)

Gene: DST (dystonin; minus strand). Cytogenetic location: 6p12.1.
Variant type: single nucleotide variant.
Coding change: c.20561A>G on transcript NM_001374736.1 (MANE Select); coding-DNA position 20561, A replaced by G.
Protein change: p.Asn6854Ser; replaces asparagine 6854 with serine.
Molecular consequence: missense variant.
Genome position (GRCh38, 1-based): chr6:56,492,423, T>C on the plus strand (A>G on the coding strand, the complement: DST is on the minus strand). VCF-style: chr6-56492423-T-C. GRCh37 (hg19) VCF-style: chr6-56357221-T-C.
Other names: p.Asn4231Ser; c.14204A>G, p.Asn4735Ser (NM_001144769.5); c.13790A>G, p.Asn4597Ser (NM_001144770.2); c.20561A>G, p.Asn6854Ser (NM_001374722.1); c.19601A>G, p.Asn6534Ser (NM_001374729.1); c.13343A>G, p.Asn4448Ser (NM_001374730.1); c.20588A>G, p.Asn6863Ser (NM_001374734.1); c.13670A>G, p.Asn4557Ser (NM_001386100.1, NM_183380.4); and 1 more; short protein forms N4735S, N4231S, N4557S, N4597S, N4448S, N6534S, N6854S, N6863S.
Identifiers: ClinVar variation 643430 (VCV000643430.13), dbSNP rs372049401, ClinGen allele CA3866711.